The following is an entry in ClinVar:

ClinVar aggregate classification (germline): Pathogenic (1 of 4 stars; one submission).

Submission:

Labcorp Genetics (formerly Invitae), Labcorp
Classification: Pathogenic. Last evaluated: 2022-05-12. Review status: criteria provided, single submitter. Criteria: Invitae Variant Classification Sherloc (09022015). Collection method: clinical testing. Allele origin: germline.
Comment: This sequence change creates a premature translational stop signal (p.Glu310Thrfs*3) in the POLE gene. It is expected to result in an absent or disrupted protein product. Loss-of-function variants in POLE are known to be pathogenic (PMID: 23230001, 25948378, 30503519). This variant is not present in population databases (gnomAD no frequency). This variant has not been reported in the literature in individuals affected with POLE-related conditions. Algorithms developed to predict the effect of sequence changes on RNA splicing suggest that this variant may create or strengthen a splice site. For these reasons, this variant has been classified as Pathogenic.

Literature cited by the submitters: PubMed 23230001; PubMed 25948378; PubMed 30503519.

NM_006231.4(POLE):c.929_932delinsCCAACT (p.Arg310fs)

Gene: POLE (DNA polymerase epsilon, catalytic subunit; minus strand). Cytogenetic location: 12q24.33.
Variant type: Indel.
Coding change: c.929_932delinsCCAACT on transcript NM_006231.4 (MANE Select); coding-DNA positions 929 to 932, GGGA replaced by CCAACT.
Protein change: p.Arg310fs; shifts the reading frame from arginine 310.
Molecular consequence: frameshift variant.
Genome position (GRCh38, 1-based): chr12:132,676,182-132,676,185, TCCC replaced by AGTTGG on the plus strand (GGGA replaced by CCAACT on the coding strand, the reverse complement: POLE is on the minus strand). VCF-style: chr12-132676182-TCCC-AGTTGG. GRCh37 (hg19) VCF-style: chr12-133252768-TCCC-AGTTGG.
Other names: short protein forms R310fs.
Identifiers: ClinVar variation 661249 (VCV000661249.5), dbSNP rs1593078531, ClinGen allele CA915946761.